The following is an entry in ClinVar:

ClinVar aggregate classification (germline): Benign (1 of 4 stars; one submission).

Conditions:
Congenital brain dysgenesis due to glutamine synthetase deficiency (GLND). Also called: GLUTAMINE SYNTHASE DEFICIENCY, CONGENITAL SYSTEMIC. Identifiers: Orphanet 71278, MedGen C1864910, MONDO:0012393, OMIM 610015.

Allele frequency attached by ClinVar (database versions not stated): TOPMed 0.01554; gnomAD 0.01401 and 0.01304; 1000 Genomes Project 30x 0.01671; 1000 Genomes Project 0.01637.

Submission:

Illumina Laboratory Services, Illumina
Classification: Benign for Congenital brain dysgenesis due to glutamine synthetase deficiency. Last evaluated: 2018-01-13. Review status: criteria provided, single submitter. Criteria: ICSL Variant Classification Criteria 13 December 2019. Collection method: clinical testing. Allele origin: germline.
Comment: This variant was observed in the ICSL laboratory as part of a predisposition screen in an ostensibly healthy population. It had not been previously curated by ICSL or reported in the Human Gene Mutation Database (HGMD: prior to June 1st, 2018), and was therefore a candidate for classification through an automated scoring system. Utilizing variant allele frequency, disease prevalence and penetrance estimates, and inheritance mode, an automated score was calculated to assess if this variant is too frequent to cause the disease. Based on the score and internal cut-off values, a variant classified as benign is not then subjected to further curation. The score for this variant resulted in a classification of benign for this disease.

NM_001033044.4(GLUL):c.*1364G>A

Gene: GLUL (glutamate-ammonia ligase; minus strand). Cytogenetic location: 1q25.3.
Variant type: single nucleotide variant.
Coding change: c.*1364G>A on transcript NM_001033044.4 (MANE Select); 1364 bases downstream of the stop codon, G replaced by A.
Molecular consequence: 3 prime UTR variant.
Genome position (GRCh38, 1-based): chr1:182,383,041, C>T on the plus strand (G>A on the coding strand, the complement: GLUL is on the minus strand). VCF-style: chr1-182383041-C-T. GRCh37 (hg19) VCF-style: chr1-182352176-C-T.
Other names: c.*1364G>A (NM_001033056.4, NM_002065.7).
Identifiers: ClinVar variation 293914 (VCV000293914.5), dbSNP rs115448180, ClinGen allele CA10608357.